The following is an entry in ClinVar:

NM_000214.3(JAG1):c.1052del (p.Cys351fs)

Gene: JAG1 (jagged canonical Notch ligand 1; minus strand). Cytogenetic location: 20p12.2.
Variant type: Deletion.
Coding change: c.1052del on transcript NM_000214.3 (MANE Select); coding-DNA position 1052, one base deleted (G; older notation c.1052delG).
Protein change: p.Cys351fs; shifts the reading frame from cysteine 351.
Molecular consequence: frameshift variant.
Genome position (GRCh38, 1-based): chr20:10,651,649, C deleted on the plus strand (G on the coding strand, the reverse complement: JAG1 is on the minus strand). VCF-style (leftmost placement, unchanged base first): chr20-10651648-AC-A. GRCh37 (hg19) VCF-style: chr20-10632296-AC-A.
Other names: short protein forms C351fs.
Identifiers: ClinVar variation 1810248 (VCV001810248.2), dbSNP rs2514520753, ClinGen allele CA2580097933.

ClinVar aggregate classification (germline): Pathogenic (1 of 4 stars; one submission).

Conditions:
Deafness. Identifiers: MedGen C0011053.

Submission:

Dubai Health Genomic Medicine Center, Dubai Health
Classification: Pathogenic for Deafness. Last evaluated: 2024-10-04. Review status: criteria provided, single submitter. Criteria: ACMG Guidelines, 2015. Collection method: research. Allele origin: germline. Affected: yes.
Comment: PVS1,PM2,PP4